The following is an entry in ClinVar:

ClinVar aggregate classification (germline): Conflicting classifications of pathogenicity. Review status: criteria provided, conflicting classifications (1 of 4 stars). 2 submissions from 2 submitters: Uncertain significance (1); Likely benign (1). Last evaluated 2023-11-06.

Conditions:
3-Methylglutaconic aciduria type 3 (MGCA3). Also called: OPA3-Related 3-Methylglutaconic Aciduria; Costeff Syndrome; OPA3, AUTOSOMAL RECESSIVE; OPTIC ATROPHY 3, AUTOSOMAL RECESSIVE. Identifiers: Orphanet 67047, MedGen C0574084, MONDO:0009787, OMIM 258501.
Optic atrophy 3 (OPA3). Also called: Optic atrophy, cataract, and neurologic disorder; Optic atrophy 3 with cataract; OPTIC ATROPHY 3, AUTOSOMAL DOMINANT. Identifiers: Orphanet 67036, MedGen C1833809, MONDO:0008133, OMIM 165300.

Allele frequency attached by ClinVar (database versions not stated): gnomAD 0.00001; gnomAD exomes 0.00001; TOPMed 0.00001; ExAC 0.00002; ESP Exome Variant Server 0.00016.
gnomAD v4.1: 10 of 1,613,228 alleles (0.00062%); highest among the groups gnomAD compares: Admixed American, 0.0017%; no homozygotes.

Submissions (2):

Labcorp Genetics (formerly Invitae), Labcorp
Classification: Uncertain significance for 3-Methylglutaconic aciduria type 3; Optic atrophy 3. Last evaluated: 2023-11-06. Review status: criteria provided, single submitter. Criteria: Invitae Variant Classification Sherloc (09022015). Collection method: clinical testing. Allele origin: germline.
Comment: This sequence change replaces alanine, which is neutral and non-polar, with threonine, which is neutral and polar, at codon 170 of the OPA3 protein (p.Ala170Thr). The frequency data for this variant in the population databases is considered unreliable, as metrics indicate poor data quality at this position in the gnomAD database. This variant has not been reported in the literature in individuals affected with OPA3-related conditions. ClinVar contains an entry for this variant (Variation ID: 214925). An algorithm developed to predict the effect of missense changes on protein structure and function (PolyPhen-2) suggests that this variant¬†is likely to be tolerated. In summary, the available evidence is currently insufficient to determine the role of this variant in disease. Therefore, it has been classified as a Variant of Uncertain Significance.

GeneDx
Classification: Likely benign. Last evaluated: 2015-01-06. Review status: criteria provided, single submitter. Criteria: GeneDx Variant Classification (06012015). Collection method: clinical testing. Allele origin: germline. Affected: yes.
Comment: This variant is considered likely benign or benign based on one or more of the following criteria: it is a conservative change, it occurs at a poorly conserved position in the protein, it is predicted to be benign by multiple in silico algorithms, and/or has population frequency not consistent with disease.

NM_025136.4(OPA3):c.508G>A (p.Ala170Thr)

Genes: OPA3 (outer mitochondrial membrane lipid metabolism regulator OPA3; minus strand), OPA3-RTN2 (OPA3-RTN2 readthrough; minus strand). Cytogenetic location: 19q13.32.
Variant type: single nucleotide variant.
Coding change: c.508G>A on transcript NM_025136.4 (MANE Select); coding-DNA position 508, G replaced by A.
Protein change: p.Ala170Thr; replaces alanine 170 with threonine.
Molecular consequence: missense variant. On other transcripts: intron variant (1).
Genome position (GRCh38, 1-based): chr19:45,553,546, C>T on the plus strand (G>A on the coding strand, the complement: OPA3 is on the minus strand). VCF-style: chr19-45553546-C-T. GRCh37 (hg19) VCF-style: chr19-46056804-C-T.
Other names: p.A170T:GCT>ACT; c.143-24090G>A (NM_001017989.3); short protein forms A170T.
Identifiers: ClinVar variation 214925 (VCV000214925.6), dbSNP rs374639297, ClinGen allele CA323636.
Genomic context (GRCh38, chr19:45,553,546, plus strand): 5'-CCAAATTCAGGTTCCATCCAGCAAGCTCCTATTTCTTGGACGCAGGCACTGCGTGGGAAG[C>T]GGACCGGCCGGGATTGCAGAGCTGGGCGCGCACCTCTTGCAGCTCTGTGCGCAGTTCCTC-3'
Protein context (NP_079412.1, residues 160-179): RAQLCNPGRS[Ala170Thr]SHAVPASKK